The following is an entry in ClinVar:

NM_130384.3(ATRIP):c.248-3C>T

Genes: ATRIP (ATR interacting protein; plus strand), ATRIP-TREX1 (ATRIP-TREX1 readthrough; plus strand). Cytogenetic location: 3p21.31.
Variant type: single nucleotide variant.
Coding change: c.248-3C>T on transcript NM_130384.3 (MANE Select); 3 bases into the intron before coding-DNA position 248, C replaced by T.
Molecular consequence: intron variant.
Genome position (GRCh38, 1-based): chr3:48,450,034, C>T. VCF-style: chr3-48450034-C-T. GRCh37 (hg19) VCF-style: chr3-48491440-C-T.
Other names: c.248-3C>T (NM_032166.4); c.-217-3C>T (NM_001271022.2); c.-32-3C>T (NM_001271023.2).
Identifiers: ClinVar variation 4644548 (VCV004644548.1).

ClinVar aggregate classification (germline): Uncertain significance (1 of 4 stars; one submission).

Submission:

Ambry Genetics
Classification: Uncertain significance. Last evaluated: 2025-12-10. Review status: criteria provided, single submitter. Criteria: Ambry Variant Classification Scheme 2023. Collection method: clinical testing. Allele origin: germline.
Comment: The c.248-3C>T intronic variant results from a C to T substitution 3 nucleotides upstream from coding exon 2 in the ATRIP gene. This nucleotide position is highly conserved in available vertebrate species. In silico splice site analysis predicts that this alteration will not have any significant effect on splicing. The evidence for this gene-disease relationship is limited; therefore, the clinical significance of this alteration is unclear.